The following is an entry in ClinVar:

NM_020795.4(NLGN2):c.1314G>A (p.Trp438Ter)

Gene: NLGN2 (neuroligin 2; plus strand). Cytogenetic location: 17p13.1.
Variant type: single nucleotide variant.
Coding change: c.1314G>A on transcript NM_020795.4 (MANE Select); coding-DNA position 1314, G replaced by A.
Protein change: p.Trp438Ter; replaces tryptophan 438 with a stop codon.
Molecular consequence: nonsense.
Genome position (GRCh38, 1-based): chr17:7,415,787, G>A. VCF-style: chr17-7415787-G-A. GRCh37 (hg19) VCF-style: chr17-7319106-G-A.
Other names: short protein forms W438*.
Identifiers: ClinVar variation 1317411 (VCV001317411.2), dbSNP rs2150817023, ClinGen allele CA397824948.

ClinVar aggregate classification (germline): Uncertain significance (1 of 4 stars; one submission).

Submission:

GeneDx
Classification: Uncertain significance. Last evaluated: 2019-11-12. Review status: criteria provided, single submitter. Criteria: GeneDx Variant Classification Process June 2021. Collection method: clinical testing. Allele origin: germline. Affected: yes.
Comment: Not observed in large population cohorts (Lek et al., 2016); Nonsense variant predicted to result in protein truncation or nonsense mediated decay in a gene for which loss-of-function is not a known mechanism of disease; Has not been previously published as pathogenic or benign to our knowledge; Variants in candidate genes are classified as variants of uncertain significance in accordance with ACMG guidelines (Richards et al., 2015)